The following is an entry in ClinVar:

ClinVar aggregate classification (germline): Benign/Likely benign. Review status: criteria provided, multiple submitters, no conflicts (2 of 4 stars). 2 submissions from 2 submitters: Benign (1); Likely benign (1). Last evaluated 2025-03-25.

Conditions:
Hereditary cancer-predisposing syndrome. Also called: Neoplastic Syndromes, Hereditary; Tumor predisposition; Hereditary neoplastic syndrome; Hereditary Cancer Syndrome. Identifiers: Orphanet 140162, MedGen C0027672, MeSH D009386, MONDO:0015356.
Peutz-Jeghers syndrome (PJS). Also called: POLYPOSIS, HAMARTOMATOUS INTESTINAL; POLYPS-AND-SPOTS SYNDROME; Peutz-Jeghers polyposis; Periorificial lentiginosis syndrome. Identifiers: Orphanet 2869, MedGen C0031269, MeSH D010580, MONDO:0008280, OMIM 175200.

Submissions (2):

Myriad Genetics, Inc.
Classification: Benign for Peutz-Jeghers syndrome. Last evaluated: 2025-03-25. Review status: criteria provided, single submitter. Criteria: Myriad Autosomal Dominant, Autosomal Recessive and X-Linked Classification Criteria (2023). Collection method: clinical testing. Allele origin: unknown.
Comment: This variant is considered benign. This variant is a silent/synonymous amino acid change and it is not expected to impact splicing.

Ambry Genetics
Classification: Likely benign for Hereditary cancer-predisposing syndrome. Last evaluated: 2020-06-09. Review status: criteria provided, single submitter. Criteria: Ambry Variant Classification Scheme 2023. Collection method: clinical testing. Allele origin: germline.

NM_000455.5(STK11):c.285G>C (p.Val95=)

Gene: STK11 (serine/threonine kinase 11; plus strand). Cytogenetic location: 19p13.3.
Variant type: single nucleotide variant.
Coding change: c.285G>C on transcript NM_000455.5 (MANE Select); coding-DNA position 285, G replaced by C.
Protein change: p.Val95=; no amino-acid change (valine 95 retained).
Molecular consequence: synonymous variant. On other transcripts: non-coding transcript variant (1).
Genome position (GRCh38, 1-based): chr19:1,207,198, G>C. VCF-style: chr19-1207198-G-C. GRCh37 (hg19) VCF-style: chr19-1207197-G-C.
Other names: c.285G>C, p.Val95= (NM_001407255.1).
Identifiers: ClinVar variation 1796940 (VCV001796940.3), dbSNP rs1354586362, ClinGen allele CA504706343.